The following is an entry in ClinVar:

NM_016120.4(RLIM):c.1011T>G (p.Asp337Glu)

Gene: RLIM (ring finger protein, LIM domain interacting; minus strand). Cytogenetic location: Xq13.2.
Variant type: single nucleotide variant.
Coding change: c.1011T>G on transcript NM_016120.4 (MANE Select); coding-DNA position 1011, T replaced by G.
Protein change: p.Asp337Glu; replaces aspartic acid 337 with glutamic acid.
Molecular consequence: missense variant.
Genome position (GRCh38, 1-based): chrX:74,592,304, A>C on the plus strand (T>G on the coding strand, the complement: RLIM is on the minus strand). VCF-style: chrX-74592304-A-C. GRCh37 (hg19) VCF-style: chrX-73812139-A-C.
Other names: c.1011T>G, p.Asp337Glu (NM_183353.3); short protein forms D337E.
Identifiers: ClinVar variation 1810700 (VCV001810700.15), dbSNP rs1341998589, ClinGen allele CA413661109.

ClinVar aggregate classification (germline): Uncertain significance. Review status: criteria provided, multiple submitters, no conflicts (2 of 4 stars). 2 submissions from 2 submitters: Uncertain significance (2). Last evaluated 2026-05-28.

Allele frequency attached by ClinVar (database versions not stated): TOPMed below 0.00001.

Submissions (2):

GeneDx
Classification: Uncertain significance. Last evaluated: 2026-05-28. Review status: criteria provided, single submitter. Criteria: GeneDx Variant Classification Process June 2021. Collection method: clinical testing. Allele origin: germline.
Comment: Not observed at significant frequency in large population cohorts (gnomAD); In silico analysis supports that this missense variant has a deleterious effect on protein structure/function; Has not been previously published as pathogenic or benign to our knowledge

CeGaT Center for Human Genetics Tuebingen
Classification: Uncertain significance. Last evaluated: 2025-02-01. Review status: criteria provided, single submitter. Criteria: CeGaT Center For Human Genetics Tuebingen Variant Classification Criteria Version 2. Collection method: clinical testing. Allele origin: germline. Affected: yes. Observed: 1 variant allele.